The following is an entry in ClinVar:

ClinVar aggregate classification (germline): Uncertain significance (1 of 4 stars; one submission).

Submission:

Labcorp Genetics (formerly Invitae), Labcorp
Classification: Uncertain significance. Last evaluated: 2025-10-22. Review status: criteria provided, single submitter. Criteria: Invitae Variant Classification Sherloc (09022015). Collection method: clinical testing. Allele origin: germline.
Comment: This sequence change affects codon 6 of the CCNQ mRNA. It is a 'silent' change, meaning that it does not change the encoded amino acid sequence of the CCNQ protein. The frequency data for this variant in the population databases is considered unreliable, as metrics indicate insufficient coverage at this position in the gnomAD database. This variant has not been reported in the literature in individuals affected with CCNQ-related conditions. In summary, the available evidence is currently insufficient to determine the role of this variant in disease. Therefore, it has been classified as a Variant of Uncertain Significance.

NM_152274.5(CCNQ):c.18C>T (p.Gly6=)

Genes: CCNQ (cyclin Q; minus strand), LOC130068825 (ATAC-STARR-seq lymphoblastoid silent region 21064; plus strand). Cytogenetic location: Xq28.
Variant type: single nucleotide variant.
Coding change: c.18C>T on transcript NM_152274.5 (MANE Select); coding-DNA position 18, C replaced by T.
Protein change: p.Gly6=; no amino-acid change (glycine 6 retained).
Molecular consequence: synonymous variant.
Genome position (GRCh38, 1-based): chrX:153,599,056, G>A on the plus strand (C>T on the coding strand, the complement: CCNQ is on the minus strand). VCF-style: chrX-153599056-G-A. GRCh37 (hg19) VCF-style: chrX-152864513-G-A.
Other names: c.18C>T, p.Gly6= (NM_001130997.3).
Identifiers: ClinVar variation 4729687 (VCV004729687.1).